The following is an entry in ClinVar:

ClinVar aggregate classification (germline): Uncertain significance (1 of 4 stars; one submission).

Conditions:
Cardiovascular phenotype. Identifiers: MedGen CN230736.

Allele frequency attached by ClinVar (database versions not stated): gnomAD exomes below 0.00001 and 0.00002; gnomAD 0.00001.
gnomAD v4.1: 5 of 1,608,730 alleles (0.00031%); highest among the groups gnomAD compares: Admixed American, 0.0067%; no homozygotes.

Submission:

Ambry Genetics
Classification: Uncertain significance for Cardiovascular phenotype. Last evaluated: 2013-11-26. Review status: criteria provided, single submitter. Criteria: Ambry Autosomal Dominant and X-Linked criteria (10/2015). Collection method: clinical testing. Allele origin: germline. Observed: 1 variant allele.
Comment: The p.N640S variant (also known as c.1919A>G) is located in coding exon 24 of the CACNA2D1gene. This alteration results from a A to G substitution at nucleotide position 1919. The asparagine at codon 640 is replaced by serine, an amino acid with highly similar properties.This variant was not reported in population-based cohorts in the following databases: Database of Single Nucleotide Polymorphisms (dbSNP), the 1000 Genomes Project and the NHLBI Exome Sequencing Project (ESP). In the ESP, this variant was not reported in 6503 samples (13006 alleles) with coverage at this position. Based on protein sequence alignment, this amino acid position is not well conserved in available vertebrate species. In addition, this alteration is predicted to be benign and tolerated by PolyPhen and SIFT in silico analyses, respectively.Since supporting evidence is limited at this time, the clinical significance of this variant remains unclear.

NM_000722.4(CACNA2D1):c.1919A>G (p.Asn640Ser)

Gene: CACNA2D1 (calcium voltage-gated channel auxiliary subunit alpha2delta 1; minus strand). Cytogenetic location: 7q21.11.
Variant type: single nucleotide variant.
Coding change: c.1919A>G on transcript NM_000722.4 (MANE Select); coding-DNA position 1919, A replaced by G.
Protein change: p.Asn640Ser; replaces asparagine 640 with serine.
Molecular consequence: missense variant.
Genome position (GRCh38, 1-based): chr7:81,982,603, T>C on the plus strand (A>G on the coding strand, the complement: CACNA2D1 is on the minus strand). VCF-style: chr7-81982603-T-C. GRCh37 (hg19) VCF-style: chr7-81611919-T-C.
Other names: c.1919A>G (LRG_437t1); c.1955A>G, p.Asn652Ser (NM_001366867.1); short protein forms N640S, N652S.
Identifiers: ClinVar variation 263754 (VCV000263754.3), dbSNP rs760733417, ClinGen allele CA10587646.